The following is an entry in ClinVar:

NM_000138.5(FBN1):c.238T>G (p.Cys80Gly)

Gene: FBN1 (fibrillin 1; minus strand). Cytogenetic location: 15q21.1.
Variant type: single nucleotide variant.
Coding change: c.238T>G on transcript NM_000138.5 (MANE Select); coding-DNA position 238, T replaced by G.
Protein change: p.Cys80Gly; replaces cysteine 80 with glycine.
Molecular consequence: missense variant.
Genome position (GRCh38, 1-based): chr15:48,613,019, A>C on the plus strand (T>G on the coding strand, the complement: FBN1 is on the minus strand). VCF-style: chr15-48613019-A-C. GRCh37 (hg19) VCF-style: chr15-48905216-A-C.
Other names: short protein forms C80G.
Identifiers: ClinVar variation 549077 (VCV000549077.18), dbSNP rs111764111, ClinGen allele CA392448179.
Genomic context (GRCh38, chr15:48,613,019, plus strand): 5'-CAACACAACAAAAGAAGGACATGCAGAATGACAAGTTTTCTATTTACTTACGGACAATAC[A>C]CTGATTTCCGCCAGGTAAGGTTTTCCATCCAGGGCAACAGTAAGCATTATAACGTGATCC-3'
Protein context (NP_000129.3, residues 70-90): GWKTLPGGNQ[Cys80Gly]IVPICRHSCG

ClinVar aggregate classification (germline): Likely pathogenic. Review status: criteria provided, single submitter (1 of 4 stars). 2 submissions from 2 submitters: Likely pathogenic (1). 1 of the submissions does not count toward it. Last evaluated 2021-03-01.

Conditions:
Marfan syndrome (MFS). Also called: Marfan syndrome type 1; Marfan syndrome, classic; Marfan's syndrome; FBN1-Related Marfan Syndrome; MARFAN SYNDROME, TYPE I. Identifiers: Orphanet 284963, Orphanet 558, MedGen C0024796, MONDO:0007947, OMIM 154700.

Submissions (2):

Centre of Medical Genetics, University of Antwerp
Classification: Likely pathogenic for Marfan syndrome. Last evaluated: 2021-03-01. Review status: criteria provided, single submitter. Criteria: Submitter's publication. Collection method: research. Allele origin: unknown. Affected: yes.
Comment: PM2, PS1, PP4

Center for Medical Genetics Ghent, University of Ghent
Classification: Likely pathogenic for Marfan syndrome. Last evaluated: 2017-11-07. Review status: no assertion criteria provided. Collection method: clinical testing. Allele origin: germline. Affected: yes. Not counted in ClinVar's aggregate classification.